The following is an entry in ClinVar:

NM_000215.4(JAK3):c.1073TCT[1] (p.Phe359del)

Gene: JAK3 (Janus kinase 3; minus strand). Cytogenetic location: 19p13.11.
Variant type: Microsatellite.
Coding change: c.1073TCT[1] on transcript NM_000215.4 (MANE Select); one copy of the 3-base unit TCT starting at c.1073; the reference has two copies in a row; one copy, 3 bases deleted; also written c.1076_1078del.
Protein change: p.Phe359del; deletes phenylalanine 359.
Molecular consequence: inframe deletion.
Genome position (GRCh38, 1-based): chr19:17,841,453-17,841,455, AGA deleted on the plus strand (TCT on the coding strand, the reverse complement: JAK3 is on the minus strand); deleting any 3 consecutive bases within chr19:17,841,453-17,841,460 gives the same sequence; the position shown is the placement nearest the transcript's 3' end. VCF-style (leftmost placement, unchanged base first): chr19-17841452-CAGA-C. GRCh37 (hg19) VCF-style: chr19-17952261-CAGA-C.
Other names: c.1076_1078delTCT (NM_000215.3); c.1076_1078del (NM_000215.4); short protein forms F359del.
Identifiers: ClinVar variation 495736 (VCV000495736.2), dbSNP rs1555745343, ClinGen allele CA658684228.

ClinVar aggregate classification (germline): Uncertain significance. Review status: criteria provided, multiple submitters, no conflicts (2 of 4 stars). 2 submissions from 2 submitters: Uncertain significance (2). Last evaluated 2024-12-18.

Conditions:
T-B+ severe combined immunodeficiency due to JAK3 deficiency. Also called: SCID, autosomal recessive, T-negative/B-positive type; SCID, T CELL-NEGATIVE, B CELL-POSITIVE, NK CELL-NEGATIVE. Identifiers: Orphanet 35078, MedGen C1833275, MONDO:0010938, OMIM 600802.

Submissions (2):

Genomic Medicine Center of Excellence, King Faisal Specialist Hospital and Research Centre
Classification: Uncertain significance for T-B+ severe combined immunodeficiency due to JAK3 deficiency. Last evaluated: 2024-12-18. Review status: criteria provided, single submitter. Criteria: ACMG Guidelines, 2015. Collection method: clinical testing. Allele origin: germline.

Women's Health and Genetics/Laboratory Corporation of America, LabCorp
Classification: Uncertain significance. Last evaluated: 2017-01-23. Review status: criteria provided, single submitter. Criteria: LabCorp Variant Classification Summary - May 2015. Collection method: clinical testing. Allele origin: germline.
Comment: Variant summary: The JAK3 c.1076_1078delTCT (p.Phe359del) variant causes an in-frame deletion of a Phenylalanine in the PH domain-like domain (via InterPro). The variant of interest was not observed in controls (ExAC, 1000 Gs, or ESP), nor has it been, to our knowledge, reported in affected individuals via publications and/or reputable databases/clinical diagnostic laboratories. Therefore, until additional information becomes available, the variant of interest has been classified as a "Variant of Uncertain Significance (VUS)."